The following is an entry in ClinVar:

ClinVar aggregate classification (germline): Uncertain significance. Review status: criteria provided, multiple submitters, no conflicts (2 of 4 stars). 2 submissions from 2 submitters: Uncertain significance (2). Last evaluated 2025-04-08.

Conditions:
Familial thoracic aortic aneurysm and aortic dissection (TAAD). Also called: Thoracic aortic aneurysms and dissections. Identifiers: Orphanet 91387, MedGen C4707243, MONDO:0019625.

Allele frequency attached by ClinVar (database versions not stated): ExAC 0.00002; gnomAD exomes 0.00002 and 0.00003.
gnomAD v4.1: 26 of 1,613,940 alleles (0.0016%); highest among the groups gnomAD compares: South Asian, 0.029%; no homozygotes.

Submissions (2):

Color Diagnostics, LLC DBA Color Health
Classification: Uncertain significance for Familial thoracic aortic aneurysm and aortic dissection. Last evaluated: 2025-04-08. Review status: criteria provided, single submitter. Criteria: ACMG Guidelines, 2015. Collection method: clinical testing. Allele origin: germline.
Comment: This missense variant replaces glutamic acid with glutamine at codon 363 of the ACTA2 protein. Computational prediction suggests that this variant may have deleterious impact on protein structure and function (internally defined REVEL score threshold >= 0.7, PMID: 27666373). To our knowledge, functional studies have not been reported for this variant. This variant has not been reported in individuals affected with cardiovascular disorders in the literature. This variant has been identified in 7/251268 chromosomes in the general population by the Genome Aggregation Database (gnomAD). The available evidence is insufficient to determine the role of this variant in disease conclusively. Therefore, this variant is classified as a Variant of Uncertain Significance.

Ambry Genetics
Classification: Uncertain significance for Familial thoracic aortic aneurysm and aortic dissection. Last evaluated: 2016-05-18. Review status: criteria provided, single submitter. Criteria: Ambry Variant Classification Scheme 2023. Collection method: clinical testing. Allele origin: germline.
Comment: The p.E363Q variant (also known as c.1087G>C), located in coding exon 8 of the ACTA2 gene, results from a G to C substitution at nucleotide position 1087. The glutamic acid at codon 363 is replaced by glutamine, an amino acid with highly similar properties. Based on data from ExAC, the C allele has an overall frequency less than 0.01% (2/106144). This variant was not reported in population based cohorts in the following databases: Database of Single Nucleotide Polymorphisms (dbSNP), NHLBI Exome Sequencing Project (ESP), and 1000 Genomes Project. In the ESP, this variant was not observed in 6503 samples (13006 alleles) with coverage at this position. This amino acid position is highly conserved in available vertebrate species. In addition, this alteration is predicted to be deleterious by in silico analysis. Since supporting evidence is limited at this time, the clinical significance of this variant remains unclear.

NM_001613.4(ACTA2):c.1087G>C (p.Glu363Gln)

Genes: ACTA2 (actin alpha 2, smooth muscle; minus strand), ACTA2-AS1 (ACTA2 antisense RNA 1; plus strand). Cytogenetic location: 10q23.31.
Variant type: single nucleotide variant.
Coding change: c.1087G>C on transcript NM_001613.4 (MANE Select); coding-DNA position 1087, G replaced by C.
Protein change: p.Glu363Gln; replaces glutamic acid 363 with glutamine.
Molecular consequence: missense variant. On other transcripts: non-coding transcript variant (1).
Genome position (GRCh38, 1-based): chr10:88,935,270, C>G on the plus strand (G>C on the coding strand, the complement: ACTA2 is on the minus strand). VCF-style: chr10-88935270-C-G. GRCh37 (hg19) VCF-style: chr10-90695027-C-G.
Other names: c.1087G>C, p.Glu363Gln (NM_001141945.3, NM_001320855.2, NM_001406462.1 and 2 more transcripts); c.976G>C, p.Glu326Gln (NM_001406466.1); c.958G>C, p.Glu320Gln (NM_001406467.1, NM_001406468.1, NM_001406469.1); c.895G>C, p.Glu299Gln (NM_001406471.1); short protein forms E363Q, E320Q, E299Q, E326Q.
Identifiers: ClinVar variation 519578 (VCV000519578.11), dbSNP rs778257647, ClinGen allele CA026731.